The following is an entry in ClinVar:

ClinVar aggregate classification (germline): Pathogenic (1 of 4 stars; one submission).

Conditions:
Abetalipoproteinaemia (ABL). Also called: MTP DEFICIENCY; Abetalipoproteinemia; Abetalipoproteinemia neuropathy; Apolipoprotein B deficiency; Congenital betalipoprotein deficiency syndrome. Identifiers: Orphanet 14, MedGen C0000744, MONDO:0008692, OMIM 200100, HP:0008181.

Submission:

Myriad Genetics, Inc.
Classification: Pathogenic for Abetalipoproteinaemia. Last evaluated: 2024-05-14. Review status: criteria provided, single submitter. Criteria: Myriad Autosomal Dominant, Autosomal Recessive and X-Linked Classification Criteria (2023). Collection method: clinical testing. Allele origin: unknown.
Comment: NM_000253.2(MTTP):c.430_432del3ins22(A144Lfs*17) is expected to be pathogenic in the context of abetalipoproteinemia. This variant is predicted to lead to an abnormal or absent protein product due to the creation of a premature termination codon in MTTP, a gene where loss-of-function variants are known to be pathogenic. Please note: this variant was assessed in the context of healthy population screening.

NM_001386140.1(MTTP):c.430_432delinsCTGTCTCTTATACACATCTGTG (p.Ala144fs)

Gene: MTTP (microsomal triglyceride transfer protein; plus strand). Cytogenetic location: 4q23.
Variant type: Indel.
Coding change: c.430_432delinsCTGTCTCTTATACACATCTGTG on transcript NM_001386140.1 (MANE Select); coding-DNA positions 430 to 432, GCC replaced by CTGTCTCTTATACACATCTGTG.
Protein change: p.Ala144fs; shifts the reading frame from alanine 144.
Molecular consequence: frameshift variant.
Genome position (GRCh38, 1-based): chr4:99,589,679-99,589,681, GCC replaced by CTGTCTCTTATACACATCTGTG. VCF-style: chr4-99589679-GCC-CTGTCTCTTATACACATCTGTG. GRCh37 (hg19) VCF-style: chr4-100510836-GCC-CTGTCTCTTATACACATCTGTG.
Other names: c.430_432delinsCTGTCTCTTATACACATCTGTG, p.Ala144fs (NM_000253.4); c.181_183delinsCTGTCTCTTATACACATCTGTG, p.Ala61fs (NM_001300785.2); short protein forms A144fs, A61fs.
Identifiers: ClinVar variation 5016429 (VCV005016429.1).
Genomic context (GRCh38, chr4:99,589,679, plus strand): 5'-GTTCTGTTCCCCTCTCCCCACCAGGTCAAAGAGTTCTACTCATATCAAAATGAGGCAGTG[GCC>CTGTCTCTTATACACATCTGTG]ATAGAAAATATCAAGAGAGGTCTGGCTAGCCTATTTCAGACACAGTTAAGCTCTGGAACC-3'